The following is an entry in ClinVar:

NM_000545.8(HNF1A):c.871C>G (p.Pro291Ala)

Gene: HNF1A (HNF1 homeobox A; plus strand). Cytogenetic location: 12q24.31.
Variant type: single nucleotide variant.
Coding change: c.871C>G on transcript NM_000545.8 (MANE Select); coding-DNA position 871, C replaced by G.
Protein change: p.Pro291Ala; replaces proline 291 with alanine.
Molecular consequence: missense variant.
Genome position (GRCh38, 1-based): chr12:120,994,321, C>G. VCF-style: chr12-120994321-C-G. GRCh37 (hg19) VCF-style: chr12-121432124-C-G.
Other names: NM_001306179.2:c.871C>G; NM_000545.8(HNF1A):c.871C>G; p.Pro291Ala; c.871C>G, p.Pro291Ala (NM_001306179.2); short protein forms P291A.
Identifiers: ClinVar variation 1334146 (VCV001334146.15), dbSNP rs151256267, ClinGen allele CA244533124.

ClinVar aggregate classification (germline): Benign. Review status: reviewed by expert panel (3 of 4 stars). 5 submissions from 5 submitters: Benign (1). 4 of the submissions do not count toward it. Last evaluated 2025-09-26.

Conditions:
Maturity-onset diabetes of the young type 3. Also called: MODY, type III; MODY type 3. Identifiers: Orphanet 552, MedGen C1838100, MeSH C563933, MONDO:0010894, OMIM 600496. Disease mechanism: loss of function.
Type 2 diabetes mellitus. Also called: Type II diabetes mellitus. Identifiers: MedGen C0011860, MeSH D003924, MONDO:0005148, OMIM 125853, HP:0005978.
Diabetes mellitus type 1 (T1D). Also called: Diabetes Mellitus, Juvenile-Onset; Type I diabetes mellitus. Identifiers: MedGen C0011854, MONDO:0005147, OMIM 222100, HP:0100651.
Hepatic adenomas, familial. Also called: HEPATIC ADENOMA, SOMATIC; LIVER CELL ADENOMAS, FAMILIAL. Identifiers: MedGen C1840646, MONDO:0007718, OMIM 142330.
Nonpapillary renal cell carcinoma. Identifiers: Orphanet 422526, MedGen CN074294, MONDO:0007763, OMIM 144700.
Type 1 diabetes mellitus 20 (T1D20). Also called: Diabetes mellitus, insulin-dependent, 20. Identifiers: MedGen C2675866, MONDO:0012919, OMIM 612520.
Monogenic diabetes. Identifiers: Orphanet 183625, MedGen C3888631, MONDO:0015967.

Allele frequency attached by ClinVar (database versions not stated): 1000 Genomes Project 30x 0.00016; 1000 Genomes Project 0.00020.
gnomAD v4.1: 18 of 1,610,052 alleles (0.0011%); highest among the groups gnomAD compares: African/African-American, 0.011%; no homozygotes.

Submissions (5):

ClinGen Monogenic Diabetes Variant Curation Expert Panel
Classification: Benign for Monogenic diabetes. Last evaluated: 2025-09-26. Review status: reviewed by expert panel. Criteria: ClinGen Diabetes ACMG Specifications HNF1A V3.0.0. Collection method: curation. Allele origin: germline. Inheritance: Autosomal dominant inheritance.
Comment: The c.871C>G variant in the HNF1 homeobox A gene, HNF1A, causes an amino acid change of proline to alanine at codon 291 (p.(Pro291Ala)) of NM_000545.8. This variant has a Grpmax filtering allele frequency of 0.000053 in gnomAD v4.1.0, which is above the ClinGen MDEP cutoff for BS1 (0.000033) (BS1). This variant was identified in four unrelated individuals with non-autoimmune and non-absolute/near-absolute insulin-deficient diabetes; however, PS4 cannot be applied because the variant MAF in gnomAD is above the ClinGen MDEP PM2_Supporting cutoff (internal lab contributors). One of these individuals did have a clinical history highly specific for HNF1A-monogenic diabetes (MODY probability calculator result >50%, negative genetic testing for HNF4A) (PP4; internal lab contributors). This variant has a REVEL score of 0.28, which is between the ClinGen MDEP thresholds, predicting neither a damaging nor benign impact on HNF1A function. In summary, c.871C>G meets the criteria to be classified benign for monogenic diabetes. ACMG/AMP criteria applied, as specified by the ClinGen MDEP (specification version 3.0.0, approved 6/30/2025): BS1, BS2, BP5, PP4.

Genomic Medicine Center of Excellence, King Faisal Specialist Hospital and Research Centre
Classification: Uncertain significance for MODY3. Last evaluated: 2026-01-01. Review status: criteria provided, single submitter. Criteria: ACMG Guidelines, 2015. Collection method: clinical testing. Allele origin: germline. Affected: yes. Not counted in ClinVar's aggregate classification.

Labcorp Genetics (formerly Invitae), Labcorp
Classification: Uncertain significance. Last evaluated: 2025-12-19. Review status: criteria provided, single submitter. Criteria: Invitae Variant Classification Sherloc (09022015). Collection method: clinical testing. Allele origin: germline. Not counted in ClinVar's aggregate classification.
Comment: This sequence change replaces proline, which is neutral and non-polar, with alanine, which is neutral and non-polar, at codon 291 of the HNF1A protein (p.Pro291Ala). This variant is present in population databases (rs151256267, gnomAD 0.0009%). This missense change has been observed in individual(s) with HNF1A-related conditions (PMID: 36407475). ClinVar contains an entry for this variant (Variation ID: 1334146). Invitae Evidence Modeling of protein sequence and biophysical properties (such as structural, functional, and spatial information, amino acid conservation, physicochemical variation, residue mobility, and thermodynamic stability) indicates that this missense variant is not expected to disrupt HNF1A protein function with a negative predictive value of 80%. In summary, the available evidence is currently insufficient to determine the role of this variant in disease. Therefore, it has been classified as a Variant of Uncertain Significance.

Women's Health and Genetics/Laboratory Corporation of America, LabCorp
Classification: Uncertain significance. Last evaluated: 2024-07-16. Review status: criteria provided, single submitter. Criteria: LabCorp Variant Classification Summary - May 2015. Collection method: clinical testing. Allele origin: germline. Not counted in ClinVar's aggregate classification.
Comment: Variant summary: HNF1A c.871C>G (p.Pro291Ala) results in a non-conservative amino acid change located in the Hepatocyte nuclear factor 1, beta isoform, C-terminal domain (IPR006897) of the encoded protein sequence. Three of five in-silico tools predict a benign effect of the variant on protein function. The variant allele was found at a frequency of 4.2e-06 in 239706 control chromosomes. The available data on variant occurrences in the general population are insufficient to allow any conclusion about variant significance. c.871C>G has been reported in the literature as heterozygous genotype in an individual affected with gestational diabetes (Daggag_2022). These report(s) do not provide unequivocal conclusions about association of the variant with Maturity Onset Diabetes Of The Young 3. To our knowledge, no experimental evidence demonstrating an impact on protein function has been reported. The following publication have been ascertained in the context of this evaluation (PMID: 36407475). ClinVar contains an entry for this variant (Variation ID: 1334146). Based on the evidence outlined above, the variant was classified as uncertain significance.

Fulgent Genetics
Classification: Uncertain significance for Type 2 diabetes mellitus; Hepatic adenomas, familial; Nonpapillary renal cell carcinoma; Diabetes mellitus type 1; Maturity-onset diabetes of the young type 3; Type 1 diabetes mellitus 20. Last evaluated: 2023-12-21. Review status: criteria provided, single submitter. Criteria: ACMG Guidelines, 2015. Collection method: clinical testing. Allele origin: germline. Not counted in ClinVar's aggregate classification.

Literature cited by the submitters: PubMed 36407475 (cited by Labcorp Genetics (formerly Invitae), Labcorp and Women's Health and Genetics/Laboratory Corporation of America, LabCorp).